The following is an entry in ClinVar:

ClinVar aggregate classification (germline): Uncertain significance. Review status: criteria provided, multiple submitters, no conflicts (2 of 4 stars). 2 submissions from 2 submitters: Uncertain significance (2). Last evaluated 2026-04-08.

Conditions:
Inborn genetic diseases. Identifiers: MedGen C0950123, MeSH D030342.
Fanconi anemia complementation group E (FANCE). Also called: FANCE-Related Fanconi Anemia. Identifiers: Orphanet 84, MedGen C3160739, MONDO:0010953, OMIM 600901.

Allele frequency attached by ClinVar (database versions not stated): gnomAD exomes below 0.00001.
gnomAD v4.1: 5 of 1,614,202 alleles (0.00031%); highest among the groups gnomAD compares: South Asian, 0.0044%; no homozygotes.

Submissions (2):

Ambry Genetics
Classification: Uncertain significance for Inborn genetic diseases. Last evaluated: 2026-04-08. Review status: criteria provided, single submitter. Criteria: Ambry Variant Classification Scheme 2023. Collection method: clinical testing. Allele origin: germline.

Labcorp Genetics (formerly Invitae), Labcorp
Classification: Uncertain significance for Fanconi anemia complementation group E. Last evaluated: 2021-08-31. Review status: criteria provided, single submitter. Criteria: Invitae Variant Classification Sherloc (09022015). Collection method: clinical testing. Allele origin: germline.
Comment: This sequence change replaces glutamic acid with lysine at codon 227 of the FANCE protein (p.Glu227Lys). The glutamic acid residue is weakly conserved and there is a small physicochemical difference between glutamic acid and lysine. This variant is not present in population databases (ExAC no frequency). This variant has not been reported in the literature in individuals affected with FANCE-related conditions. Algorithms developed to predict the effect of missense changes on protein structure and function output the following: SIFT: "Tolerated"; PolyPhen-2: "Benign"; Align-GVGD: "Class C0". The lysine amino acid residue is found in multiple mammalian species, which suggests that this missense change does not adversely affect protein function. In summary, the available evidence is currently insufficient to determine the role of this variant in disease. Therefore, it has been classified as a Variant of Uncertain Significance.

NM_021922.3(FANCE):c.679G>A (p.Glu227Lys)

Gene: FANCE (FA complementation group E; plus strand). Cytogenetic location: 6p21.31.
Variant type: single nucleotide variant.
Coding change: c.679G>A on transcript NM_021922.3 (MANE Select); coding-DNA position 679, G replaced by A.
Protein change: p.Glu227Lys; replaces glutamic acid 227 with lysine.
Molecular consequence: missense variant.
Genome position (GRCh38, 1-based): chr6:35,456,177, G>A. VCF-style: chr6-35456177-G-A. GRCh37 (hg19) VCF-style: chr6-35423954-G-A.
Other names: short protein forms E227K.
Identifiers: ClinVar variation 471931 (VCV000471931.8), dbSNP rs1287242303, ClinGen allele CA363773564.
Genomic context (GRCh38, chr6:35,456,177, plus strand): 5'-GAGGCTGCCAGTCCTGAGGGGAAGAGGGTCCCCAAAAGATTACGGTGTTGGGAAGAGGAA[G>A]AAGATCATGAGAAGGAGAGACCCGAACATAAGTCACTGGAATCCCTGGCAGATGGAGGAA-3'
Protein context (NP_068741.1, residues 217-237): PKRLRCWEEE[Glu227Lys]DHEKERPEHK